The following is an entry in ClinVar:

ClinVar aggregate classification (germline): Uncertain significance (1 of 4 stars; one submission).

Conditions:
Gamma-aminobutyric acid transaminase deficiency (GABATD). Also called: GABA aminotransaminase deficiency; GABA transaminase deficiency; Gamma aminobutyrate transaminase deficiency; 4 alpha aminobutyrate transaminase deficiency. Identifiers: Orphanet 2066, MedGen C0342708, MONDO:0013166, OMIM 613163.

Allele frequency attached by ClinVar (database versions not stated): TOPMed below 0.00001.
gnomAD v4.1: 4 of 1,609,956 alleles (0.00025%); highest among the groups gnomAD compares: Non-Finnish European, 0.00034%; no homozygotes.

Submission:

Labcorp Genetics (formerly Invitae), Labcorp
Classification: Uncertain significance for Gamma-aminobutyric acid transaminase deficiency. Last evaluated: 2020-11-06. Review status: criteria provided, single submitter. Criteria: Invitae Variant Classification Sherloc (09022015). Collection method: clinical testing. Allele origin: germline.
Comment: This sequence change falls in intron 3 of the ABAT gene. It does not directly change the encoded amino acid sequence of the ABAT protein. It affects a nucleotide within the consensus splice site of the intron. This variant is not present in population databases (ExAC no frequency). This variant has not been reported in the literature in individuals with ABAT-related conditions. Nucleotide substitutions within the consensus splice site are a relatively common cause of aberrant splicing (PMID: 17576681, 9536098). Algorithms developed to predict the effect of sequence changes on RNA splicing suggest that this variant may disrupt the consensus splice site, but this prediction has not been confirmed by published transcriptional studies. In summary, the available evidence is currently insufficient to determine the role of this variant in disease. Therefore, it has been classified as a Variant of Uncertain Significance.

Literature cited by the submitters: PubMed 17576681; PubMed 9536098.

NM_020686.6(ABAT):c.168+5G>T

Gene: ABAT (4-aminobutyrate aminotransferase; plus strand). Cytogenetic location: 16p13.2.
Variant type: single nucleotide variant.
Coding change: c.168+5G>T on transcript NM_020686.6 (MANE Select); 5 bases into the intron after coding-DNA position 168, G replaced by T.
Molecular consequence: intron variant.
Genome position (GRCh38, 1-based): chr16:8,746,103, G>T. VCF-style: chr16-8746103-G-T. GRCh37 (hg19) VCF-style: chr16-8839960-G-T.
Other names: c.168+5G>T (NM_001386602.1, NM_001386615.1, NM_001386609.1 and 11 more transcripts); c.71-2005G>T (NM_001386610.1); c.70+10294G>T (NM_001386614.1); c.33+5G>T (NM_001386611.1, NM_001386612.1, NM_001386613.1).
Identifiers: ClinVar variation 1482060 (VCV001482060.3), dbSNP rs539641450, ClinGen allele CA277462345.